The following is an entry in ClinVar:

NM_000257.4(MYH7):c.2108G>A (p.Arg703His)

Gene: MYH7 (myosin heavy chain 7; minus strand). Cytogenetic location: 14q11.2.
Variant type: single nucleotide variant.
Coding change: c.2108G>A on transcript NM_000257.4 (MANE Select); coding-DNA position 2108, G replaced by A.
Protein change: p.Arg703His; replaces arginine 703 with histidine.
Molecular consequence: missense variant.
Genome position (GRCh38, 1-based): chr14:23,426,018, C>T on the plus strand (G>A on the coding strand, the complement: MYH7 is on the minus strand). VCF-style: chr14-23426018-C-T. GRCh37 (hg19) VCF-style: chr14-23895227-C-T.
Other names: c.2108G>A, p.Arg703His (NM_001407004.1); short protein forms R703H.
Identifiers: ClinVar variation 2503265 (VCV002503265.5), dbSNP rs1232358310, ClinGen allele CA389049113.

ClinVar aggregate classification (germline): Uncertain significance. Review status: criteria provided, multiple submitters, no conflicts (2 of 4 stars). 3 submissions from 3 submitters: Uncertain significance (3). Last evaluated 2024-02-26.

Conditions:
Cardiovascular phenotype. Identifiers: MedGen CN230736.
Hypertrophic cardiomyopathy. Also called: HYPERTROPHIC MYOCARDIOPATHY. Identifiers: Orphanet 217569, MedGen C0007194, MeSH D002312, MONDO:0005045, HP:0001639.

Allele frequency attached by ClinVar (database versions not stated): gnomAD exomes below 0.00001.
gnomAD v4.1: 5 of 1,614,196 alleles (0.00031%); highest among the groups gnomAD compares: Middle Eastern, 0.017%; no homozygotes.

Submissions (3):

Ambry Genetics
Classification: Uncertain significance for Cardiovascular phenotype. Last evaluated: 2024-02-26. Review status: criteria provided, single submitter. Criteria: Ambry Variant Classification Scheme 2023. Collection method: clinical testing. Allele origin: germline.
Comment: The p.R703H variant (also known as c.2108G>A), located in coding exon 17 of the MYH7 gene, results from a G to A substitution at nucleotide position 2108. The arginine at codon 703 is replaced by histidine, an amino acid with highly similar properties. This alteration is located in the myosin head domain, which contains a statistically significant clustering of pathogenic missense variants (Homburger JR et al. Proc Natl Acad Sci U S A, 2016 06;113:6701-6; Walsh R et al. Genet Med, 2017 02;19:192-203; Ambry internal data). This alteration has been reported in a hypertrophic cardiomyopathy (HCM) cohort (Berge KE et al. Clin Genet, 2014 Oct;86:355-60). This amino acid position is highly conserved in available vertebrate species. In addition, this alteration is predicted to be deleterious by in silico analysis. Based on the available evidence, the clinical significance of this alteration remains unclear.

Labcorp Genetics (formerly Invitae), Labcorp
Classification: Uncertain significance for Hypertrophic cardiomyopathy. Last evaluated: 2024-02-25. Review status: criteria provided, single submitter. Criteria: Invitae Variant Classification Sherloc (09022015). Collection method: clinical testing. Allele origin: germline.
Comment: This sequence change replaces arginine, which is basic and polar, with histidine, which is basic and polar, at codon 703 of the MYH7 protein (p.Arg703His). This variant is present in population databases (no rsID available, gnomAD 0.006%). This missense change has been observed in individual(s) with hypertrophic cardiomyopathy (PMID: 24111713). ClinVar contains an entry for this variant (Variation ID: 2503265). Advanced modeling of protein sequence and biophysical properties (such as structural, functional, and spatial information, amino acid conservation, physicochemical variation, residue mobility, and thermodynamic stability) performed at Invitae indicates that this missense variant is expected to disrupt MYH7 protein function with a positive predictive value of 95%. In summary, the available evidence is currently insufficient to determine the role of this variant in disease. Therefore, it has been classified as a Variant of Uncertain Significance.

GeneDx
Classification: Uncertain significance. Last evaluated: 2023-05-25. Review status: criteria provided, single submitter. Criteria: GeneDx Variant Classification Process June 2021. Collection method: clinical testing. Allele origin: germline. Affected: yes.
Comment: Identified in at least one individual referred for HCM genetic testing, though clinical information was not provided (Berge and Leren, 2014; Stava et al., 2022); Not observed at significant frequency in large population cohorts (gnomAD); In silico analysis supports that this missense variant has a deleterious effect on protein structure/function; This variant is associated with the following publications: (PMID: 27532257, 29300372, 24111713, 35653365)

Literature cited by the submitters: PubMed 24111713 (cited by Ambry Genetics and Labcorp Genetics (formerly Invitae), Labcorp).